The following is an entry in ClinVar:

ClinVar aggregate classification (germline): Uncertain significance (1 of 4 stars; one submission).

Submission:

Women's Health and Genetics/Laboratory Corporation of America, LabCorp
Classification: Uncertain significance. Last evaluated: 2026-04-27. Review status: criteria provided, single submitter. Criteria: LabCorp Variant Classification Summary - May 2015. Collection method: clinical testing. Allele origin: germline.
Comment: Variant summary: TRIO c.9172A>G (p.Thr3058Ala) results in a non-conservative amino acid change in the encoded protein sequence. Algorithms developed to predict the effect of missense changes on protein structure and function are either unavailable or do not agree on the potential impact of this missense change. The variant was absent in 251046 control chromosomes. The available data on variant occurrences in the general population are insufficient to allow any conclusion about variant significance. To our knowledge, no occurrence of c.9172A>G in individuals affected with TRIO-related conditions and no experimental evidence demonstrating its impact on protein function have been reported. No submitters have cited clinical-significance assessments for this variant to ClinVar. Based on the evidence outlined above, the variant was classified as uncertain significance.

NM_007118.4(TRIO):c.9172A>G (p.Thr3058Ala)

Gene: TRIO (trio Rho guanine nucleotide exchange factor; plus strand). Cytogenetic location: 5p15.2.
Variant type: single nucleotide variant.
Coding change: c.9172A>G on transcript NM_007118.4 (MANE Select); coding-DNA position 9172, A replaced by G.
Protein change: p.Thr3058Ala; replaces threonine 3058 with alanine.
Molecular consequence: missense variant. On other transcripts: non-coding transcript variant (1).
Genome position (GRCh38, 1-based): chr5:14,508,300, A>G. VCF-style: chr5-14508300-A-G. GRCh37 (hg19) VCF-style: chr5-14508409-A-G.
Other names: short protein forms T3058A.
Identifiers: ClinVar variation 4849077 (VCV004849077.1).
Genomic context (GRCh38, chr5:14,508,300, plus strand): 5'-CGTCCCTCGGCTGCGCTGGCCCTCCAGGAGCAGTGGCTGCAGGCCGGCAACGGCAGAAGC[A>G]CGGGCGTCCTCGACACGTCCAGACTGACTTCCTTCATTGAGCGGCGCAAACACCAGAATG-3'
Protein context (NP_009049.2, residues 3048-3068): QWLQAGNGRS[Thr3058Ala]GVLDTSRLTS